The following is an entry in ClinVar:

ClinVar aggregate classification (germline): Uncertain significance (1 of 4 stars; one submission).

Submission:

GeneDx
Classification: Uncertain significance. Last evaluated: 2024-06-08. Review status: criteria provided, single submitter. Criteria: GeneDx Variant Classification Process June 2021. Collection method: clinical testing. Allele origin: germline. Affected: yes.
Comment: Not observed at significant frequency in large population cohorts (gnomAD); In silico analysis indicates that this missense variant does not alter protein structure/function; Has not been previously published as pathogenic or benign to our knowledge

NM_020922.5(WNK3):c.451A>G (p.Ile151Val)

Gene: WNK3 (WNK lysine deficient protein kinase 3; minus strand). Cytogenetic location: Xp11.22.
Variant type: single nucleotide variant.
Coding change: c.451A>G on transcript NM_020922.5 (MANE Select); coding-DNA position 451, A replaced by G.
Protein change: p.Ile151Val; replaces isoleucine 151 with valine.
Molecular consequence: missense variant.
Genome position (GRCh38, 1-based): chrX:54,333,223, T>C on the plus strand (A>G on the coding strand, the complement: WNK3 is on the minus strand). VCF-style: chrX-54333223-T-C. GRCh37 (hg19) VCF-style: chrX-54359656-T-C.
Other names: c.451A>G, p.Ile151Val (NM_001002838.4, NM_001395166.1); short protein forms I151V.
Identifiers: ClinVar variation 3384331 (VCV003384331.1).